The following is an entry in ClinVar:

NM_207352.4(CYP4V2):c.801+1G>A

Gene: CYP4V2 (cytochrome P450 family 4 subfamily V member 2; plus strand). Cytogenetic location: 4q35.1.
Variant type: single nucleotide variant.
Coding change: c.801+1G>A on transcript NM_207352.4 (MANE Select); the canonical splice donor site of the intron after coding-DNA position 801, G replaced by A.
Molecular consequence: splice donor variant.
Genome position (GRCh38, 1-based): chr4:186,199,084, G>A. VCF-style: chr4-186199084-G-A. GRCh37 (hg19) VCF-style: chr4-187120238-G-A.
Identifiers: ClinVar variation 1697294 (VCV001697294.3), dbSNP rs761362530, ClinGen allele CA3162648.

ClinVar aggregate classification (germline): Pathogenic. Review status: criteria provided, multiple submitters, no conflicts (2 of 4 stars). 3 submissions from 3 submitters: Pathogenic (3). Last evaluated 2023-03-21.

Conditions:
CYP4V2-related disorder. Also called: CYP4V2-related disorders; CYP4V2-related condition.
Retinal dystrophy. Also called: Inherited retinal dystrophy. Identifiers: Orphanet 71862, MedGen C0854723, MeSH D058499, MONDO:0019118, HP:0000556.
Bietti crystalline corneoretinal dystrophy (BCD). Also called: Bietti Crystalline Dystrophy; BIETTI TAPETORETINAL DEGENERATION WITH MARGINAL CORNEAL DYSTROPHY. Identifiers: Orphanet 41751, MedGen C1859486, MONDO:0008865, OMIM 210370.

Allele frequency attached by ClinVar (database versions not stated): gnomAD 0.00001; TOPMed 0.00001; ExAC 0.00002; gnomAD exomes 0.00002.
gnomAD v4.1: 10 of 1,613,006 alleles (0.00062%); highest among the groups gnomAD compares: Non-Finnish European, 0.00076%; no homozygotes.

Submissions (3):

Blueprint Genetics
Classification: Pathogenic for CYP4V2-related disorders. Last evaluated: 2023-03-21. Review status: criteria provided, single submitter. Criteria: ACMG Guidelines, 2015. Collection method: clinical testing. Allele origin: germline. Affected: yes. Observed: 3 variant alleles.

Institute of Human Genetics, University of Leipzig Medical Center
Classification: Pathogenic for Bietti crystalline corneoretinal dystrophy. Last evaluated: 2022-06-17. Review status: criteria provided, single submitter. Criteria: ACMG Guidelines, 2015. Collection method: clinical testing. Allele origin: unknown. Affected: yes.
Comment: This variant was identified as compound heterozygous with NM_207352.4:c.414-1G>A._x000D_ Criteria applied: PVS1, PM3_SUP, PP4

Institute of Human Genetics, Univ. Regensburg, Univ. Regensburg
Classification: Pathogenic for Retinal dystrophy. Last evaluated: 2021-01-01. Review status: criteria provided, single submitter. Criteria: ACMG Guidelines, 2015. Collection method: clinical testing. Allele origin: germline. Affected: yes.

Literature cited by the submitters: PubMed 31512983 (cited by Institute of Human Genetics, Univ. Regensburg, Univ. Regensburg); PubMed 3196484 (cited by Institute of Human Genetics, Univ. Regensburg, Univ. Regensburg).